The following is an entry in ClinVar:

NM_000135.4(FANCA):c.3732G>C (p.Lys1244Asn)

Gene: FANCA (FA complementation group A; minus strand). Cytogenetic location: 16q24.3.
Variant type: single nucleotide variant.
Coding change: c.3732G>C on transcript NM_000135.4 (MANE Select); coding-DNA position 3732, G replaced by C.
Protein change: p.Lys1244Asn; replaces lysine 1244 with asparagine.
Molecular consequence: missense variant.
Genome position (GRCh38, 1-based): chr16:89,742,833, C>G on the plus strand (G>C on the coding strand, the complement: FANCA is on the minus strand). VCF-style: chr16-89742833-C-G. GRCh37 (hg19) VCF-style: chr16-89809241-C-G.
Other names: c.3732G>C, p.Lys1244Asn (NM_001286167.3); short protein forms K1244N.
Identifiers: ClinVar variation 2193508 (VCV002193508.4), dbSNP rs2143061123, ClinGen allele CA397485341.

ClinVar aggregate classification (germline): Uncertain significance. Review status: criteria provided, multiple submitters, no conflicts (2 of 4 stars). 2 submissions from 2 submitters: Uncertain significance (2). Last evaluated 2025-06-08.

Conditions:
Fanconi anemia (FA). Also called: Fanconi's anemia. Identifiers: Orphanet 84, MedGen C0015625, MeSH D005199, MONDO:0019391.
Inborn genetic diseases. Identifiers: MedGen C0950123, MeSH D030342.

Submissions (2):

Ambry Genetics
Classification: Uncertain significance for Inborn genetic diseases. Last evaluated: 2025-06-08. Review status: criteria provided, single submitter. Criteria: Ambry Variant Classification Scheme 2023. Collection method: clinical testing. Allele origin: germline.
Comment: The p.K1244N variant (also known as c.3732G>C), located in coding exon 37 of the FANCA gene, results from a G to C substitution at nucleotide position 3732. The lysine at codon 1244 is replaced by asparagine, an amino acid with similar properties. This amino acid position is conserved. In addition, this alteration is predicted to be tolerated by in silico analysis. Based on the available evidence, the clinical significance of this variant remains unclear.

Labcorp Genetics (formerly Invitae), Labcorp
Classification: Uncertain significance for Fanconi anemia. Last evaluated: 2022-06-09. Review status: criteria provided, single submitter. Criteria: Invitae Variant Classification Sherloc (09022015). Collection method: clinical testing. Allele origin: germline.
Comment: This sequence change replaces lysine, which is basic and polar, with asparagine, which is neutral and polar, at codon 1244 of the FANCA protein (p.Lys1244Asn). In summary, the available evidence is currently insufficient to determine the role of this variant in disease. Therefore, it has been classified as a Variant of Uncertain Significance. Advanced modeling of protein sequence and biophysical properties (such as structural, functional, and spatial information, amino acid conservation, physicochemical variation, residue mobility, and thermodynamic stability) performed at Invitae indicates that this missense variant is not expected to disrupt FANCA protein function. This variant has not been reported in the literature in individuals affected with FANCA-related conditions. This variant is not present in population databases (gnomAD no frequency).